The following is an entry in ClinVar:

ClinVar aggregate classification (germline): Benign/Likely benign. Review status: criteria provided, multiple submitters, no conflicts (2 of 4 stars). 3 submissions from 3 submitters: Benign (1); Likely benign (2). Last evaluated 2024-12-23.

Conditions:
Hereditary nonpolyposis colorectal neoplasms. Identifiers: MedGen C0009405, MeSH D003123.
Lynch syndrome 5 (LYNCH5). Also called: Hereditary non-polyposis colorectal cancer, type 5; Colorectal cancer, hereditary nonpolyposis, type 5. Identifiers: Orphanet 144, MedGen C1833477, MONDO:0013710, OMIM 614350. Disease mechanism: loss of function.
Hereditary cancer-predisposing syndrome. Also called: Hereditary Cancer Syndrome; Hereditary neoplastic syndrome; Tumor predisposition; Neoplastic Syndromes, Hereditary. Identifiers: Orphanet 140162, MedGen C0027672, MeSH D009386, MONDO:0015356.

Submissions (3):

Myriad Genetics, Inc.
Classification: Benign for Lynch syndrome 5. Last evaluated: 2024-12-23. Review status: criteria provided, single submitter. Criteria: Myriad Autosomal Dominant, Autosomal Recessive and X-Linked Classification Criteria (2023). Collection method: clinical testing. Allele origin: unknown.
Comment: This variant is considered benign. This variant is a silent/synonymous amino acid change and it is not expected to impact splicing.

Labcorp Genetics (formerly Invitae), Labcorp
Classification: Likely benign for Hereditary nonpolyposis colorectal neoplasms. Last evaluated: 2023-05-22. Review status: criteria provided, single submitter. Criteria: Invitae Variant Classification Sherloc (09022015). Collection method: clinical testing. Allele origin: germline.

Ambry Genetics
Classification: Likely benign for Hereditary cancer-predisposing syndrome. Last evaluated: 2018-10-03. Review status: criteria provided, single submitter. Criteria: Ambry Variant Classification Scheme 2023. Collection method: clinical testing. Allele origin: germline.

NM_000179.3(MSH6):c.1092T>C (p.Val364=)

Gene: MSH6 (mutS homolog 6; plus strand). Cytogenetic location: 2p16.3.
Variant type: single nucleotide variant.
Coding change: c.1092T>C on transcript NM_000179.3 (MANE Select); coding-DNA position 1092, T replaced by C.
Protein change: p.Val364=; no amino-acid change (valine 364 retained).
Molecular consequence: synonymous variant.
Genome position (GRCh38, 1-based): chr2:47,799,075, T>C. VCF-style: chr2-47799075-T-C. GRCh37 (hg19) VCF-style: chr2-48026214-T-C.
Other names: c.702T>C, p.Val234= (NM_001281492.2); c.186T>C, p.Val62= (NM_001281493.2, NM_001281494.2).
Identifiers: ClinVar variation 1081996 (VCV001081996.12), dbSNP rs2104319064, ClinGen allele CA426120950.